The following is an entry in ClinVar:

NM_005035.4(POLRMT):c.446A>G (p.Gln149Arg)

Gene: POLRMT (RNA polymerase mitochondrial; minus strand). Cytogenetic location: 19p13.3.
Variant type: single nucleotide variant.
Coding change: c.446A>G on transcript NM_005035.4 (MANE Select); coding-DNA position 446, A replaced by G.
Protein change: p.Gln149Arg; replaces glutamine 149 with arginine.
Molecular consequence: missense variant. On other transcripts: non-coding transcript variant (1).
Genome position (GRCh38, 1-based): chr19:629,916, T>C on the plus strand (A>G on the coding strand, the complement: POLRMT is on the minus strand). VCF-style: chr19-629916-T-C. GRCh37 (hg19) VCF-style: chr19-629916-T-C.
Other names: c.446A>G, p.Gln149Arg (NM_001407805.1, NM_001407806.1, NM_001407807.1 and 12 more transcripts); c.122A>G, p.Gln41Arg (NM_001407831.1, NM_001407833.1, NM_001407834.1 and 2 more transcripts); short protein forms Q149R, Q41R.
Identifiers: ClinVar variation 4534920 (VCV004534920.6).
Genomic context (GRCh38, chr19:629,916, plus strand): 5'-TTGCTCAGGAGCCGGGGCTCCACCTGCAGGCGCCTGGTCAGCGCCTTGAACTCCCCGCTC[T>C]GGAATGGCATCTGCAGCTTCGCCTTCAACCGCTGCATACGCATCTGCTGGGTCCGCTTAT-3'
Protein context (NP_005026.3, residues 139-159): RLKAKLQMPF[Gln149Arg]SGEFKALTRR

ClinVar aggregate classification (germline): Uncertain significance (1 of 4 stars; one submission).

Submission:

CeGaT Center for Human Genetics Tuebingen
Classification: Uncertain significance. Last evaluated: 2025-10-01. Review status: criteria provided, single submitter. Criteria: CeGaT Center For Human Genetics Tuebingen Variant Classification Criteria Version 2. Collection method: clinical testing. Allele origin: germline. Affected: yes. Observed: 1 variant allele.
Comment: POLRMT: PM2, BP4